The following is an entry in ClinVar:

NM_032043.3(BRIP1):c.441C>G (p.Tyr147Ter)

Gene: BRIP1 (BRCA1 interacting DNA helicase 1; minus strand). Cytogenetic location: 17q23.2.
Variant type: single nucleotide variant.
Coding change: c.441C>G on transcript NM_032043.3 (MANE Select); coding-DNA position 441, C replaced by G.
Protein change: p.Tyr147Ter; replaces tyrosine 147 with a stop codon.
Molecular consequence: nonsense.
Genome position (GRCh38, 1-based): chr17:61,849,195, G>C on the plus strand (C>G on the coding strand, the complement: BRIP1 is on the minus strand). VCF-style: chr17-61849195-G-C. GRCh37 (hg19) VCF-style: chr17-59926556-G-C.
Other names: short protein forms Y147*.
Identifiers: ClinVar variation 647620 (VCV000647620.8), dbSNP rs1603362622, ClinGen allele CA400484490.

ClinVar aggregate classification (germline): Pathogenic. Review status: criteria provided, multiple submitters, no conflicts (2 of 4 stars). 2 submissions from 2 submitters: Pathogenic (2). Last evaluated 2026-01-28.

Conditions:
Hereditary cancer-predisposing syndrome. Also called: Neoplastic Syndromes, Hereditary; Hereditary neoplastic syndrome; Tumor predisposition; Hereditary Cancer Syndrome. Identifiers: Orphanet 140162, MedGen C0027672, MeSH D009386, MONDO:0015356.
Fanconi anemia complementation group J. Also called: BRIP1-Related Fanconi Anemia. Identifiers: Orphanet 84, MedGen C1836860, MONDO:0012187, OMIM 609054.
Familial cancer of breast. Also called: Hereditary breast cancer; BREAST CANCER, FAMILIAL; hereditary breast carcinoma. Identifiers: Orphanet 227535, MedGen C0346153, MONDO:0016419, OMIM 114480. Disease mechanism: loss of function.

Submissions (2):

Ambry Genetics
Classification: Pathogenic for Hereditary cancer-predisposing syndrome. Last evaluated: 2026-01-28. Review status: criteria provided, single submitter. Criteria: Ambry Variant Classification Scheme 2023. Collection method: clinical testing. Allele origin: germline.
Comment: The p.Y147* pathogenic mutation (also known as c.441C>G), located in coding exon 4 of the BRIP1 gene, results from a C to G substitution at nucleotide position 441. This changes the amino acid from a tyrosine to a stop codon within coding exon 4. This variant is considered to be rare based on population cohorts in the Genome Aggregation Database (gnomAD). This alteration is expected to result in loss of function by premature protein truncation or nonsense-mediated mRNA decay. As such, this alteration is interpreted as a disease-causing mutation.

Labcorp Genetics (formerly Invitae), Labcorp
Classification: Pathogenic for Familial cancer of breast; Fanconi anemia complementation group J. Last evaluated: 2018-11-10. Review status: criteria provided, single submitter. Criteria: Invitae Variant Classification Sherloc (09022015). Collection method: clinical testing. Allele origin: germline.
Comment: For these reasons, this variant has been classified as Pathogenic. Loss-of-function variants in BRIP1 are known to be pathogenic (PMID: 16116423, 17033622, 21964575). This variant has not been reported in the literature in individuals with BRIP1-related disease. This variant is not present in population databases (ExAC no frequency). This sequence change creates a premature translational stop signal (p.Tyr147*) in the BRIP1 gene. It is expected to result in an absent or disrupted protein product.

Literature cited by the submitters: PubMed 16116423 (cited by Labcorp Genetics (formerly Invitae), Labcorp); PubMed 17033622 (cited by Labcorp Genetics (formerly Invitae), Labcorp); PubMed 21964575 (cited by Labcorp Genetics (formerly Invitae), Labcorp).